The following is an entry in ClinVar:

ClinVar aggregate classification (germline): Uncertain significance (1 of 4 stars; one submission).

Conditions:
Aortic aneurysm. Also called: Aortic aneurysm (disease). Identifiers: MedGen C0003486, MONDO:0005160, HP:0004942.

Submission:

Institute of Human Genetics, University of Leipzig Medical Center
Classification: Uncertain significance for Aortic aneurysm. Last evaluated: 2021-08-02. Review status: criteria provided, single submitter. Criteria: ACMG Guidelines, 2015. Collection method: clinical testing. Allele origin: unknown. Affected: yes.
Comment: Until submission, only one distal pathogenic stop-gain variant has been described, for a different phenotype (intracranial aneurysm, PMID: 27895300). Thus, due to the limited data, we classify this variant with an uncertain significance.

Literature cited by the submitters: PubMed 27895300.

NM_018676.4(THSD1):c.1051C>T (p.Gln351Ter)

Gene: THSD1 (thrombospondin type 1 domain containing 1; minus strand). Cytogenetic location: 13q14.3.
Variant type: single nucleotide variant.
Coding change: c.1051C>T on transcript NM_018676.4 (MANE Select); coding-DNA position 1051, C replaced by T.
Protein change: p.Gln351Ter; replaces glutamine 351 with a stop codon.
Molecular consequence: nonsense. On other transcripts: intron variant (1).
Genome position (GRCh38, 1-based): chr13:52,386,157, G>A on the plus strand (C>T on the coding strand, the complement: THSD1 is on the minus strand). VCF-style: chr13-52386157-G-A. GRCh37 (hg19) VCF-style: chr13-52960292-G-A.
Other names: c.1022-7368C>T (NM_199263.3); short protein forms Q351*.
Identifiers: ClinVar variation 1297020 (VCV001297020.2), dbSNP rs1238167916, ClinGen allele CA388031467.